The following is an entry in ClinVar:

ClinVar aggregate classification (germline): Uncertain significance (1 of 4 stars; one submission).

Conditions:
CHARGE syndrome (CHARGE). Also called: Hittner Hirsch Kreh syndrome; CHARGE ASSOCIATION--COLOBOMA, HEART ANOMALY, CHOANAL ATRESIA, RETARDATION, GENITAL AND EAR ANOMALIES; Coloboma, heart anomaly, choanal atresia, retardation, genital and ear anomalies; CHARGE association; Hall-Hittner syndrome. Identifiers: Orphanet 138, MedGen C0265354, MONDO:0008965.

Allele frequency attached by ClinVar (database versions not stated): gnomAD 0.00001; TOPMed 0.00001.
gnomAD v4.1: 3 of 1,608,482 alleles (0.00019%); highest among the groups gnomAD compares: Non-Finnish European, 0.00026%; no homozygotes.

Submission:

Labcorp Genetics (formerly Invitae), Labcorp
Classification: Uncertain significance for CHARGE syndrome. Last evaluated: 2024-04-03. Review status: criteria provided, single submitter. Criteria: Invitae Variant Classification Sherloc (09022015). Collection method: clinical testing. Allele origin: germline.
Comment: This sequence change replaces arginine, which is basic and polar, with histidine, which is basic and polar, at codon 1629 of the CHD7 protein (p.Arg1629His). This variant is present in population databases (no rsID available, gnomAD 0.007%). This variant has not been reported in the literature in individuals affected with CHD7-related conditions. ClinVar contains an entry for this variant (Variation ID: 2078872). Advanced modeling of protein sequence and biophysical properties (such as structural, functional, and spatial information, amino acid conservation, physicochemical variation, residue mobility, and thermodynamic stability) has been performed at Invitae for this missense variant, however the output from this modeling did not meet the statistical confidence thresholds required to predict the impact of this variant on CHD7 protein function. In summary, the available evidence is currently insufficient to determine the role of this variant in disease. Therefore, it has been classified as a Variant of Uncertain Significance.

NM_017780.4(CHD7):c.4886G>A (p.Arg1629His)

Gene: CHD7 (chromodomain helicase DNA binding protein 7; plus strand). Cytogenetic location: 8q12.2.
Variant type: single nucleotide variant.
Coding change: c.4886G>A on transcript NM_017780.4 (MANE Select); coding-DNA position 4886, G replaced by A.
Protein change: p.Arg1629His; replaces arginine 1629 with histidine.
Molecular consequence: missense variant. On other transcripts: intron variant (1).
Genome position (GRCh38, 1-based): chr8:60,844,899, G>A. VCF-style: chr8-60844899-G-A. GRCh37 (hg19) VCF-style: chr8-61757458-G-A.
Other names: c.1717-17330G>A (NM_001316690.1); short protein forms R1629H.
Identifiers: ClinVar variation 2078872 (VCV002078872.4), dbSNP rs920422227, ClinGen allele CA177351068.